The following is an entry in ClinVar:

NM_001243133.2(NLRP3):c.906C>T (p.Phe302=)

Gene: NLRP3 (NLR family pyrin domain containing 3; plus strand). Cytogenetic location: 1q44.
Variant type: single nucleotide variant.
Coding change: c.906C>T on transcript NM_001243133.2 (MANE Select); coding-DNA position 906, C replaced by T.
Protein change: p.Phe302=; no amino-acid change (phenylalanine 302 retained).
Molecular consequence: synonymous variant.
Genome position (GRCh38, 1-based): chr1:247,424,355, C>T. VCF-style: chr1-247424355-C-T. GRCh37 (hg19) VCF-style: chr1-247587657-C-T.
Other names: c.906C>T, p.Phe302= (NM_001079821.3, NM_001127461.3, NM_001127462.3 and 1 more transcripts); c.912C>T, p.Phe304= (NM_004895.5).
Identifiers: ClinVar variation 389188 (VCV000389188.21), dbSNP rs756989752, ClinGen allele CA1494952.
Genomic context (GRCh38, chr1:247,424,355, plus strand): 5'-CCCACCCATCCACAAGATCGTGAGAAAACCCTCCAGAATCCTCTTCCTCATGGACGGCTT[C>T]GATGAGCTGCAAGGTGCCTTTGACGAGCACATAGGACCGCTCTGCACTGACTGGCAGAAG-3'
Protein context (NP_001230062.1, residues 292-312): PSRILFLMDG[Phe302=]DELQGAFDEH

ClinVar aggregate classification (germline): Likely benign. Review status: criteria provided, multiple submitters, no conflicts (2 of 4 stars). 6 submissions from 6 submitters: Likely benign (5). 1 of the submissions does not count toward it. Last evaluated 2025-09-25.

Conditions:
NLRP3-related disorder. Also called: NLRP3-related condition; NLRP3-Related Disorders.
Cryopyrin associated periodic syndrome (CAPS). Identifiers: Orphanet 208650, MedGen C2316212, MONDO:0016168.

Allele frequency attached by ClinVar (database versions not stated): ExAC 0.00002; gnomAD exomes 0.00003 and 0.00006; gnomAD 0.00011 and 0.00014; TOPMed 0.00018.
gnomAD v4.1: 76 of 1,613,416 alleles (0.0047%); highest among the groups gnomAD compares: Admixed American, 0.035%; no homozygotes.

Submissions (6):

Labcorp Genetics (formerly Invitae), Labcorp
Classification: Likely benign for Cryopyrin associated periodic syndrome. Last evaluated: 2025-09-25. Review status: criteria provided, single submitter. Criteria: Invitae Variant Classification Sherloc (09022015). Collection method: clinical testing. Allele origin: germline.

Laboratory of Genetics, Children's Clinical University Hospital Latvia
Classification: Likely benign. Last evaluated: 2025-02-16. Review status: criteria provided, single submitter. Criteria: ACMG Guidelines, 2015. Collection method: clinical testing. Allele origin: germline. Affected: yes.

Blueprint Genetics
Classification: Likely benign. Last evaluated: 2024-11-06. Review status: criteria provided, single submitter. Criteria: ACMG Guidelines, 2015. Collection method: clinical testing. Allele origin: germline.

GeneDx
Classification: Likely benign. Last evaluated: 2019-09-09. Review status: criteria provided, single submitter. Criteria: GeneDx Variant Classification Process June 2021. Collection method: clinical testing. Allele origin: germline. Affected: yes.

Laboratory for Molecular Medicine, Mass General Brigham Personalized Medicine
Classification: Likely benign. Last evaluated: 2017-08-23. Review status: criteria provided, single submitter. Criteria: LMM Criteria. Collection method: clinical testing. Allele origin: germline. Observed: 1 variant allele.
Comment: p.Phe304Phe in exon 5 of NLRP3: This variant is not expected to have clinical si gnificance because it does not alter an amino acid residue and is not located wi thin the splice consensus sequence. It has been identified in 1/8632 East Asian chromosomes by the Exome Aggregation Consortium (ExAC; dbSNP rs756989752).

PreventionGenetics, part of Exact Sciences
Classification: Likely benign for NLRP3-related condition. Last evaluated: 2019-08-13. Review status: no assertion criteria provided. Collection method: clinical testing. Allele origin: germline. Not counted in ClinVar's aggregate classification.
Comment: This variant is classified as likely benign based on ACMG/AMP sequence variant interpretation guidelines (Richards et al. 2015 PMID: 25741868, with internal and published modifications).